The following is an entry in ClinVar:

NM_139343.3(BIN1):c.974G>C (p.Gly325Ala)

Gene: BIN1 (bridging integrator 1; minus strand). Cytogenetic location: 2q14.3.
Variant type: single nucleotide variant.
Coding change: c.974G>C on transcript NM_139343.3 (MANE Select); coding-DNA position 974, G replaced by C.
Protein change: p.Gly325Ala; replaces glycine 325 with alanine.
Molecular consequence: missense variant.
Genome position (GRCh38, 1-based): chr2:127,059,039, C>G on the plus strand (G>C on the coding strand, the complement: BIN1 is on the minus strand). VCF-style: chr2-127059039-C-G. GRCh37 (hg19) VCF-style: chr2-127816615-C-G.
Other names: c.926G>C, p.Gly309Ala (NM_001320632.2, NM_004305.4, NM_139346.3); c.974G>C, p.Gly325Ala (NM_001320633.2, NM_001320640.2, NM_139344.3 and 1 more transcripts); c.809G>C, p.Gly270Ala (NM_001320634.1); c.881G>C, p.Gly294Ala (NM_001320641.2, NM_139347.3, NM_139348.3 and 3 more transcripts); c.893G>C, p.Gly298Ala (NM_001320642.1); short protein forms G270A, G298A, G309A, G294A, G325A.
Identifiers: ClinVar variation 3699908 (VCV003699908.2).
Genomic context (GRCh38, chr2:127,059,039, plus strand): 5'-CAGGGGACCTGCTACCAAGACATCACTCCTACCTGAGATGGGGACTTGGGGAGGGTGGCC[C>G]CGGGCGTGGCCCCGCCGGCCGGCTCTGGCTCGTGGTTGACTCTGATCTCGGGGGTGGCGG-3'
Protein context (NP_647593.1, residues 315-335): EPEPAGGATP[Gly325Ala]ATLPKSPSQL

ClinVar aggregate classification (germline): Uncertain significance (1 of 4 stars; one submission).

Conditions:
Myopathy, centronuclear, 2 (CNM2). Also called: MYOTUBULAR MYOPATHY, AUTOSOMAL RECESSIVE. Identifiers: Orphanet 169186, MedGen CN031787, MONDO:0009709, OMIM 255200.

Submission:

Labcorp Genetics (formerly Invitae), Labcorp
Classification: Uncertain significance for Myopathy, centronuclear, 2. Last evaluated: 2024-08-06. Review status: criteria provided, single submitter. Criteria: Invitae Variant Classification Sherloc (09022015). Collection method: clinical testing. Allele origin: germline.
Comment: This sequence change replaces glycine, which is neutral and non-polar, with alanine, which is neutral and non-polar, at codon 325 of the BIN1 protein (p.Gly325Ala). This variant is not present in population databases (gnomAD no frequency). This variant has not been reported in the literature in individuals affected with BIN1-related conditions. Advanced modeling of protein sequence and biophysical properties (such as structural, functional, and spatial information, amino acid conservation, physicochemical variation, residue mobility, and thermodynamic stability) performed at Invitae indicates that this missense variant is not expected to disrupt BIN1 protein function with a negative predictive value of 80%. In summary, the available evidence is currently insufficient to determine the role of this variant in disease. Therefore, it has been classified as a Variant of Uncertain Significance.